The following is an entry in ClinVar:

NM_001353694.2(TIAM1):c.4089C>T (p.Ser1363=)

Gene: TIAM1 (TIAM Rac1 associated GEF 1; minus strand). Cytogenetic location: 21q22.11.
Variant type: single nucleotide variant.
Coding change: c.4089C>T on transcript NM_001353694.2 (MANE Select); coding-DNA position 4089, C replaced by T.
Protein change: p.Ser1363=; no amino-acid change (serine 1363 retained).
Molecular consequence: synonymous variant.
Genome position (GRCh38, 1-based): chr21:31,127,109, G>A on the plus strand (C>T on the coding strand, the complement: TIAM1 is on the minus strand). VCF-style: chr21-31127109-G-A. GRCh37 (hg19) VCF-style: chr21-32499427-G-A.
Other names: c.1113C>T, p.Ser371= (NM_001353685.2); c.4014C>T, p.Ser1338= (NM_001353686.2, NM_001353687.2); c.4089C>T, p.Ser1363= (NM_001353688.1, NM_001353689.1, NM_001353690.1 and 4 more transcripts); c.1188C>T, p.Ser396= (NM_001353684.2).
Identifiers: ClinVar variation 4084169 (VCV004084169.8).

ClinVar aggregate classification (germline): Likely benign (1 of 4 stars; one submission).

Submission:

CeGaT Center for Human Genetics Tuebingen
Classification: Likely benign. Last evaluated: 2025-07-01. Review status: criteria provided, single submitter. Criteria: CeGaT Center For Human Genetics Tuebingen Variant Classification Criteria Version 2. Collection method: clinical testing. Allele origin: germline. Affected: yes. Observed: 1 variant allele.
Comment: TIAM1: BP4, BP7